The following is an entry in ClinVar:

ClinVar aggregate classification (germline): Uncertain significance. Review status: criteria provided, multiple submitters, no conflicts (2 of 4 stars). 2 submissions from 2 submitters: Uncertain significance (2). Last evaluated 2022-07-17.

Conditions:
Charcot-Marie-Tooth disease type 2. Also called: Charcot-Marie-Tooth type 2. Identifiers: Orphanet 64746, MedGen C0270914, MONDO:0018993.

Submissions (2):

Ambry Genetics
Classification: Uncertain significance. Last evaluated: 2022-07-17. Review status: criteria provided, single submitter. Criteria: Ambry Variant Classification Scheme 2023. Collection method: clinical testing. Allele origin: germline.
Comment: The p.T1237K variant (also known as c.3710C>A), located in coding exon 33 of the KIF1B gene, results from a C to A substitution at nucleotide position 3710. The threonine at codon 1237 is replaced by lysine, an amino acid with similar properties. This amino acid position is conserved. In addition, the in silico prediction for this alteration is inconclusive. Since supporting evidence is limited at this time, the clinical significance of this alteration remains unclear.

Labcorp Genetics (formerly Invitae), Labcorp
Classification: Uncertain significance for Charcot-Marie-Tooth disease type 2. Last evaluated: 2022-03-24. Review status: criteria provided, single submitter. Criteria: Invitae Variant Classification Sherloc (09022015). Collection method: clinical testing. Allele origin: germline.
Comment: In summary, the available evidence is currently insufficient to determine the role of this variant in disease. Therefore, it has been classified as a Variant of Uncertain Significance. Algorithms developed to predict the effect of missense changes on protein structure and function (SIFT, PolyPhen-2, Align-GVGD) all suggest that this variant is likely to be tolerated. This variant has not been reported in the literature in individuals affected with KIF1B-related conditions. This variant is not present in population databases (gnomAD no frequency). This sequence change replaces threonine, which is neutral and polar, with lysine, which is basic and polar, at codon 1237 of the KIF1B protein (p.Thr1237Lys).

NM_001365951.3(KIF1B):c.3848C>A (p.Thr1283Lys)

Gene: KIF1B (kinesin family member 1B; plus strand). Cytogenetic location: 1p36.22.
Variant type: single nucleotide variant.
Coding change: c.3848C>A on transcript NM_001365951.3 (MANE Select); coding-DNA position 3848, C replaced by A.
Protein change: p.Thr1283Lys; replaces threonine 1283 with lysine.
Molecular consequence: missense variant.
Genome position (GRCh38, 1-based): chr1:10,347,811, C>A. VCF-style: chr1-10347811-C-A. GRCh37 (hg19) VCF-style: chr1-10407869-C-A.
Other names: c.3848C>A, p.Thr1283Lys (NM_001365952.1); c.3710C>A, p.Thr1237Lys (NM_015074.3); short protein forms T1237K, T1283K.
Identifiers: ClinVar variation 1734196 (VCV001734196.7), dbSNP rs2521792138, ClinGen allele CA338343279.
Genomic context (GRCh38, chr1:10,347,811, plus strand): 5'-TATTTTTTAGGTATATCCCAGCTGTGGTTGACCACACAGCAGGCTTGCCTTGCCAGGGGA[C>A]ATTTTTGCTTCATCAGGTACTAATGAGGGACCAAAACAGGCATCGGAGGGAACACTGAAA-3'
Protein context (NP_001352880.1, residues 1273-1293): DHTAGLPCQG[Thr1283Lys]FLLHQGIQRR